The following is an entry in ClinVar:

ClinVar aggregate classification (germline): Uncertain significance (1 of 4 stars; one submission).

Conditions:
Cardiovascular phenotype. Identifiers: MedGen CN230736.

Submission:

Ambry Genetics
Classification: Uncertain significance for Cardiovascular phenotype. Last evaluated: 2026-09-11. Review status: criteria provided, single submitter. Criteria: Ambry Variant Classification Scheme 2023. Collection method: clinical testing. Allele origin: germline.
Comment: The p.L3576P variant (also known as c.10727T>C), located in coding exon 26 of the APOB gene, results from a T to C substitution at nucleotide position 10727. The leucine at codon 3576 is replaced by proline, an amino acid with similar properties. This amino acid position is conserved. In addition, this alteration is predicted to be tolerated by in silico analysis. Based on the available evidence, the clinical significance of this variant remains unclear.

NM_000384.3(APOB):c.10727T>C (p.Leu3576Pro)

Gene: APOB (apolipoprotein B; minus strand). Cytogenetic location: 2p24.1.
Variant type: single nucleotide variant.
Coding change: c.10727T>C on transcript NM_000384.3 (MANE Select); coding-DNA position 10727, T replaced by C.
Protein change: p.Leu3576Pro; replaces leucine 3576 with proline.
Molecular consequence: missense variant.
Genome position (GRCh38, 1-based): chr2:21,006,141, A>G on the plus strand (T>C on the coding strand, the complement: APOB is on the minus strand). VCF-style: chr2-21006141-A-G. GRCh37 (hg19) VCF-style: chr2-21229013-A-G.
Other names: short protein forms L3576P.
Identifiers: ClinVar variation 2539312 (VCV002539312.3), dbSNP rs1663130726, ClinGen allele CA345985241.